The following is an entry in ClinVar:

ClinVar aggregate classification (germline): Uncertain significance (1 of 4 stars; one submission).

Submission:

Labcorp Genetics (formerly Invitae), Labcorp
Classification: Uncertain significance. Last evaluated: 2025-09-30. Review status: criteria provided, single submitter. Criteria: Invitae Variant Classification Sherloc (09022015). Collection method: clinical testing. Allele origin: germline.
Comment: This sequence change replaces glycine, which is neutral and non-polar, with glutamic acid, which is acidic and polar, at codon 231 of the TNFAIP3 protein (p.Gly231Glu). This variant is not present in population databases (gnomAD no frequency). This variant has not been reported in the literature in individuals affected with TNFAIP3-related conditions. Invitae Evidence Modeling of protein sequence and biophysical properties (such as structural, functional, and spatial information, amino acid conservation, physicochemical variation, residue mobility, and thermodynamic stability) indicates that this missense variant is expected to disrupt TNFAIP3 protein function with a positive predictive value of 80%. In summary, the available evidence is currently insufficient to determine the role of this variant in disease. Therefore, it has been classified as a Variant of Uncertain Significance.

NM_001270508.2(TNFAIP3):c.692G>A (p.Gly231Glu)

Genes: TNFAIP3 (TNF alpha induced protein 3; plus strand), LOC126859807 (MED14-independent group 3 enhancer GRCh37_chr6:138196296-138197495; plus strand). Cytogenetic location: 6q23.3.
Variant type: single nucleotide variant.
Coding change: c.692G>A on transcript NM_001270508.2 (MANE Select); coding-DNA position 692, G replaced by A.
Protein change: p.Gly231Glu; replaces glycine 231 with glutamic acid.
Molecular consequence: missense variant.
Genome position (GRCh38, 1-based): chr6:137,876,053, G>A. VCF-style: chr6-137876053-G-A. GRCh37 (hg19) VCF-style: chr6-138197190-G-A.
Other names: c.692G>A, p.Gly231Glu (NM_001270507.2, NM_006290.4); short protein forms G231E.
Identifiers: ClinVar variation 4741576 (VCV004741576.1).